The following is an entry in ClinVar:

ClinVar aggregate classification (germline): Uncertain significance (1 of 4 stars; one submission).

Submission:

Ambry Genetics
Classification: Uncertain significance. Last evaluated: 2026-03-31. Review status: criteria provided, single submitter. Criteria: Ambry Variant Classification Scheme 2023. Collection method: clinical testing. Allele origin: germline.
Comment: The p.Q193* variant (also known as c.577C>T), located in coding exon 4 of the ATRIP gene, results from a C to T substitution at nucleotide position 577. This changes the amino acid from a glutamine to a stop codon within coding exon 4. The evidence for this gene-disease relationship is limited; therefore, the clinical significance of this variant is unclear.

NM_130384.3(ATRIP):c.577C>T (p.Gln193Ter)

Genes: ATRIP (ATR interacting protein; plus strand), ATRIP-TREX1 (ATRIP-TREX1 readthrough; plus strand). Cytogenetic location: 3p21.31.
Variant type: single nucleotide variant.
Coding change: c.577C>T on transcript NM_130384.3 (MANE Select); coding-DNA position 577, C replaced by T.
Protein change: p.Gln193Ter; replaces glutamine 193 with a stop codon.
Molecular consequence: nonsense. On other transcripts: non-coding transcript variant (1).
Genome position (GRCh38, 1-based): chr3:48,454,324, C>T. VCF-style: chr3-48454324-C-T. GRCh37 (hg19) VCF-style: chr3-48495724-C-T.
Other names: c.196C>T, p.Gln66Ter (NM_001271022.2); c.298C>T, p.Gln100Ter (NM_001271023.2); c.577C>T, p.Gln193Ter (NM_032166.4); short protein forms Q100*, Q193*, Q66*.
Identifiers: ClinVar variation 4867199 (VCV004867199.1).